The following is an entry in ClinVar:

ClinVar aggregate classification (germline): Pathogenic (1 of 4 stars; one submission).

Conditions:
Hereditary cancer-predisposing syndrome. Also called: Hereditary neoplastic syndrome; Neoplastic Syndromes, Hereditary; Tumor predisposition; Hereditary Cancer Syndrome. Identifiers: Orphanet 140162, MedGen C0027672, MeSH D009386, MONDO:0015356.

Submission:

Ambry Genetics
Classification: Pathogenic for Hereditary cancer-predisposing syndrome. Last evaluated: 2022-07-12. Review status: criteria provided, single submitter. Criteria: Ambry Variant Classification Scheme 2023. Collection method: clinical testing. Allele origin: germline.
Comment: The p.E2784* pathogenic mutation (also known as c.8350G>T), located in coding exon 56 of the ATM gene, results from a G to T substitution at nucleotide position 8350. This changes the amino acid from a glutamic acid to a stop codon within coding exon 56. This alteration is expected to result in loss of function by premature protein truncation or nonsense-mediated mRNA decay. As such, this alteration is interpreted as a disease-causing mutation.

NM_000051.4(ATM):c.8350G>T (p.Glu2784Ter)

Genes: ATM (ATM serine/threonine kinase; plus strand), C11orf65 (chromosome 11 open reading frame 65; minus strand). Cytogenetic location: 11q22.3.
Variant type: single nucleotide variant.
Coding change: c.8350G>T on transcript NM_000051.4 (MANE Select); coding-DNA position 8350, G replaced by T.
Protein change: p.Glu2784Ter; replaces glutamic acid 2784 with a stop codon.
Molecular consequence: nonsense. On other transcripts: intron variant (2).
Genome position (GRCh38, 1-based): chr11:108,343,303, G>T. VCF-style: chr11-108343303-G-T. GRCh37 (hg19) VCF-style: chr11-108214030-G-T.
Other names: c.8350G>T, p.Glu2784Ter (NM_001351834.2); c.641-34232C>A (NM_001330368.2); c.695-8011C>A (NM_001351110.2); short protein forms E2784*.
Identifiers: ClinVar variation 1763056 (VCV001763056.2), dbSNP rs1479612629, ClinGen allele CA382516480.